The following is an entry in ClinVar:

NM_001035.3(RYR2):c.10494+5G>A

Gene: RYR2 (ryanodine receptor 2; plus strand). Cytogenetic location: 1q43.
Variant type: single nucleotide variant.
Coding change: c.10494+5G>A on transcript NM_001035.3 (MANE Select); 5 bases into the intron after coding-DNA position 10494, G replaced by A.
Molecular consequence: intron variant.
Genome position (GRCh38, 1-based): chr1:237,717,373, G>A. VCF-style: chr1-237717373-G-A. GRCh37 (hg19) VCF-style: chr1-237880673-G-A.
Identifiers: ClinVar variation 4782261 (VCV004782261.1).

ClinVar aggregate classification (germline): Uncertain significance (1 of 4 stars; one submission).

Conditions:
Catecholaminergic polymorphic ventricular tachycardia 1. Also called: VENTRICULAR TACHYCARDIA, STRESS-INDUCED POLYMORPHIC 1; RYR2-Related Catecholaminergic Polymorphic Ventricular Tachycardia; VENTRICULAR TACHYCARDIA, CATECHOLAMINERGIC POLYMORPHIC, 1, WITH OR WITHOUT ATRIAL DYSFUNCTION AND/OR DILATED CARDIOMYOPATHY. Identifiers: Orphanet 3286, MedGen C1631597, MONDO:0011484, OMIM 604772.

Submission:

Labcorp Genetics (formerly Invitae), Labcorp
Classification: Uncertain significance for Catecholaminergic polymorphic ventricular tachycardia 1. Last evaluated: 2025-06-18. Review status: criteria provided, single submitter. Criteria: Invitae Variant Classification Sherloc (09022015). Collection method: clinical testing. Allele origin: germline.
Comment: This sequence change falls in intron 72 of the RYR2 gene. It does not directly change the encoded amino acid sequence of the RYR2 protein. It affects a nucleotide within the consensus splice site. This variant is not present in population databases (gnomAD no frequency). This variant has not been reported in the literature in individuals affected with RYR2-related conditions. Variants that disrupt the consensus splice site are a relatively common cause of aberrant splicing (PMID: 17576681, 9536098). Algorithms developed to predict the effect of sequence changes on RNA splicing suggest that this variant is not likely to affect RNA splicing. In summary, the available evidence is currently insufficient to determine the role of this variant in disease. Therefore, it has been classified as a Variant of Uncertain Significance.

Literature cited by the submitters: PubMed 17576681; PubMed 9536098.